The following is an entry in ClinVar:

NM_000321.3(RB1):c.1954A>T (p.Lys652Ter)

Gene: RB1 (RB transcriptional corepressor 1; plus strand). Cytogenetic location: 13q14.2.
Variant type: single nucleotide variant.
Coding change: c.1954A>T on transcript NM_000321.3 (MANE Select); coding-DNA position 1954, A replaced by T.
Protein change: p.Lys652Ter; replaces lysine 652 with a stop codon.
Molecular consequence: nonsense.
Genome position (GRCh38, 1-based): chr13:48,456,343, A>T. VCF-style: chr13-48456343-A-T. GRCh37 (hg19) VCF-style: chr13-49030479-A-T.
Other names: c.1954A>T, p.Lys652Ter (NM_001407165.1); short protein forms K652*.
Identifiers: ClinVar variation 3237040 (VCV003237040.2), dbSNP rs2138331657.

ClinVar aggregate classification (germline): Pathogenic. Review status: criteria provided, multiple submitters, no conflicts (2 of 4 stars). 2 submissions from 2 submitters: Pathogenic (2). Last evaluated 2025-11-21.

Conditions:
Retinoblastoma (RB1). Also called: RETINOBLASTOMA, SOMATIC. Identifiers: Orphanet 790, MedGen C0035335, MeSH D012175, MONDO:0008380, OMIM 180200, HP:0009919. Disease mechanism: loss of function. Inheritance: Both sporadic and heritable forms are tested..
Hereditary cancer-predisposing syndrome. Also called: Neoplastic Syndromes, Hereditary; Tumor predisposition; Hereditary neoplastic syndrome; Hereditary Cancer Syndrome. Identifiers: Orphanet 140162, MedGen C0027672, MeSH D009386, MONDO:0015356.

Submissions (2):

Ambry Genetics
Classification: Pathogenic for Hereditary cancer-predisposing syndrome. Last evaluated: 2025-11-21. Review status: criteria provided, single submitter. Criteria: Ambry Variant Classification Scheme 2023. Collection method: clinical testing. Allele origin: germline.
Comment: The p.K652* pathogenic mutation (also known as c.1954A>T), located in coding exon 19 of the RB1 gene, results from an A to T substitution at nucleotide position 1954. This changes the amino acid from a lysine to a stop codon within coding exon 19. This variant was reported in individual(s) with features consistent with RB1-related hereditary retinoblastoma (Abidi O et al. Mol Vis, 2011 Dec;17:3541-7; Rodr&iacute;guez-Mart&iacute;n C et al. J Hum Genet, 2020 Jan;65:165-174; Akdeniz Odemis D et al. Medicine (Baltimore), 2023 Sep;102:e35068; Ambry internal data). This variant is considered to be rare based on population cohorts in the Genome Aggregation Database (gnomAD). This alteration is expected to result in loss of function by premature protein truncation or nonsense-mediated mRNA decay. As such, this alteration is interpreted as a disease-causing mutation.

Genetic Diagnostic Laboratory, University of Pennsylvania School of Medicine
Classification: Pathogenic for Retinoblastoma. Last evaluated: 2024-05-20. Review status: criteria provided, single submitter. Criteria: ACMG Guidelines, 2015. Collection method: clinical testing. Allele origin: germline. Affected: yes. Observed: 2 variant alleles.
Comment: Case and Pedigree Information: BILATERAL CASES:2, UNILATERAL CASES:0, TOTAL CASES:2, PEDIGREES:2. ACMG Codes Applied:PVS1, PM2

Literature cited by the submitters: PubMed 22219649 (cited by Ambry Genetics); PubMed 31772335 (cited by Ambry Genetics); PubMed 37682130 (cited by Ambry Genetics).